The following is an entry in ClinVar:

NM_014370.4(SRPK3):c.1237G>A (p.Ala413Thr)

Gene: SRPK3 (SRSF protein kinase 3; plus strand). Cytogenetic location: Xq28.
Variant type: single nucleotide variant.
Coding change: c.1237G>A on transcript NM_014370.4 (MANE Select); coding-DNA position 1237, G replaced by A.
Protein change: p.Ala413Thr; replaces alanine 413 with threonine.
Molecular consequence: missense variant.
Genome position (GRCh38, 1-based): chrX:153,784,383, G>A. VCF-style: chrX-153784383-G-A. GRCh37 (hg19) VCF-style: chrX-153049838-G-A.
Other names: c.1234G>A, p.Ala412Thr (NM_001170760.2); c.1135G>A, p.Ala379Thr (NM_001170761.2); short protein forms A379T, A412T, A413T.
Identifiers: ClinVar variation 3600629 (VCV003600629.2).
Genomic context (GRCh38, chrX:153,784,383, plus strand): 5'-AACCCCCTGGAGCCCCAAAATGCAGATAAGATCAAGATCAAGATCGCAGACCTGGGCAAC[G>A]CCTGCTGGGTGGTATGAGCAAGTGTGGGAGAGCAGAGTGGGGGGCCCTGCTCCAAGGGTG-3'
Protein context (NP_055185.2, residues 403-423): IKIKIADLGN[Ala413Thr]CWVHKHFTED

ClinVar aggregate classification (germline): Uncertain significance (1 of 4 stars; one submission).

gnomAD v4.1: 2 of 1,210,396 alleles (0.00017%); highest among the groups gnomAD compares: East Asian, 0.003%; no homozygotes.

Submission:

GeneDx
Classification: Uncertain significance. Last evaluated: 2025-05-05. Review status: criteria provided, single submitter. Criteria: GeneDx Variant Classification Process June 2021. Collection method: clinical testing. Allele origin: germline. Affected: yes.
Comment: Has not been previously published as pathogenic or benign to our knowledge; In silico analysis supports that this missense variant has a deleterious effect on protein structure/function; Not observed at significant frequency in large population cohorts (gnomAD); Variants in candidate genes are classified as variants of uncertain significance in accordance with ACMG guidelines (PMID: 25741868)